The following is an entry in ClinVar:

ClinVar aggregate classification (germline): Conflicting classifications of pathogenicity. Review status: criteria provided, conflicting classifications (1 of 4 stars). 3 submissions from 3 submitters: Uncertain significance (2); Likely benign (1). Last evaluated 2026-01-27.

Conditions:
Hereditary cancer-predisposing syndrome. Also called: Tumor predisposition; Neoplastic Syndromes, Hereditary; Hereditary neoplastic syndrome; Hereditary Cancer Syndrome. Identifiers: Orphanet 140162, MedGen C0027672, MeSH D009386, MONDO:0015356.
Tumor predisposition syndrome 3 (TPDS3). Also called: Melanoma, cutaneous malignant, susceptibility to, 10; LONG TELOMERE SYNDROME, POT1-RELATED; POT1 Tumor Predisposition; Glioma susceptibility 9. Identifiers: Orphanet 618, MedGen C4014476, MONDO:0014368, OMIM 615848.

Allele frequency attached by ClinVar (database versions not stated): gnomAD 0.00002 and below 0.00001; gnomAD exomes 0.00002 and 0.00004; TOPMed 0.00001; ExAC 0.00006; 1000 Genomes Project 30x 0.00016; 1000 Genomes Project 0.00020.
gnomAD v4.1: 32 of 1,612,256 alleles (0.002%); highest among the groups gnomAD compares: South Asian, 0.033%; 1 homozygote.

Submissions (3):

Labcorp Genetics (formerly Invitae), Labcorp
Classification: Uncertain significance for Tumor predisposition syndrome 3. Last evaluated: 2026-01-27. Review status: criteria provided, single submitter. Criteria: Invitae Variant Classification Sherloc (09022015). Collection method: clinical testing. Allele origin: germline.
Comment: This sequence change replaces alanine, which is neutral and non-polar, with threonine, which is neutral and polar, at codon 435 of the POT1 protein (p.Ala435Thr). This variant is present in population databases (rs567021227, gnomAD 0.04%). This variant has not been reported in the literature in individuals affected with POT1-related conditions. ClinVar contains an entry for this variant (Variation ID: 581175). Invitae Evidence Modeling of protein sequence and biophysical properties (such as structural, functional, and spatial information, amino acid conservation, physicochemical variation, residue mobility, and thermodynamic stability) indicates that this missense variant is not expected to disrupt POT1 protein function with a negative predictive value of 80%. In summary, the available evidence is currently insufficient to determine the role of this variant in disease. Therefore, it has been classified as a Variant of Uncertain Significance.

Ambry Genetics
Classification: Likely benign for Hereditary cancer-predisposing syndrome. Last evaluated: 2022-03-23. Review status: criteria provided, single submitter. Criteria: Ambry Variant Classification Scheme 2023. Collection method: clinical testing. Allele origin: germline.

Revvity Omics, Revvity
Classification: Uncertain significance. Last evaluated: 2021-07-27. Review status: criteria provided, single submitter. Criteria: ACMG Guidelines, 2015. Collection method: clinical testing. Allele origin: germline.

NM_015450.3(POT1):c.1303G>A (p.Ala435Thr)

Gene: POT1 (protection of telomeres 1; minus strand). Cytogenetic location: 7q31.33.
Variant type: single nucleotide variant.
Coding change: c.1303G>A on transcript NM_015450.3 (MANE Select); coding-DNA position 1303, G replaced by A.
Protein change: p.Ala435Thr; replaces alanine 435 with threonine.
Molecular consequence: missense variant. On other transcripts: non-coding transcript variant (3).
Genome position (GRCh38, 1-based): chr7:124,841,039, C>T on the plus strand (G>A on the coding strand, the complement: POT1 is on the minus strand). VCF-style: chr7-124841039-C-T. GRCh37 (hg19) VCF-style: chr7-124481093-C-T.
Other names: c.910G>A, p.Ala304Thr (NM_001042594.2); short protein forms A435T, A304T.
Identifiers: ClinVar variation 581175 (VCV000581175.15), dbSNP rs567021227, ClinGen allele CA4465168.